The following is an entry in ClinVar:

ClinVar aggregate classification (germline): Uncertain significance (1 of 4 stars; one submission).

Conditions:
Early-infantile DEE. Also called: Early infantile epileptic encephalopathy; Ohtahara syndrome; Early infantile epileptic encephalopathy with suppression bursts. Identifiers: Orphanet 1934, MedGen C0393706, MONDO:0800491.

Allele frequency attached by ClinVar (database versions not stated): gnomAD exomes below 0.00001; gnomAD 0.00001; TOPMed 0.00001.
gnomAD v4.1: 7 of 1,613,570 alleles (0.00043%); highest among the groups gnomAD compares: Non-Finnish European, 0.00051%; no homozygotes.

Submission:

Labcorp Genetics (formerly Invitae), Labcorp
Classification: Uncertain significance for Early-infantile DEE. Last evaluated: 2024-12-31. Review status: criteria provided, single submitter. Criteria: Invitae Variant Classification Sherloc (09022015). Collection method: clinical testing. Allele origin: germline.
Comment: This sequence change replaces glutamic acid, which is acidic and polar, with alanine, which is neutral and non-polar, at codon 591 of the SPTAN1 protein (p.Glu591Ala). This variant is present in population databases (no rsID available, gnomAD 0.002%). This variant has not been reported in the literature in individuals affected with SPTAN1-related conditions. ClinVar contains an entry for this variant (Variation ID: 1507104). Invitae Evidence Modeling of protein sequence and biophysical properties (such as structural, functional, and spatial information, amino acid conservation, physicochemical variation, residue mobility, and thermodynamic stability) has been performed for this missense variant. However, the output from this modeling did not meet the statistical confidence thresholds required to predict the impact of this variant on SPTAN1 protein function. In summary, the available evidence is currently insufficient to determine the role of this variant in disease. Therefore, it has been classified as a Variant of Uncertain Significance.

NM_001130438.3(SPTAN1):c.1772A>C (p.Glu591Ala)

Gene: SPTAN1 (spectrin alpha, non-erythrocytic 1; plus strand). Cytogenetic location: 9q34.11.
Variant type: single nucleotide variant.
Coding change: c.1772A>C on transcript NM_001130438.3 (MANE Select); coding-DNA position 1772, A replaced by C.
Protein change: p.Glu591Ala; replaces glutamic acid 591 with alanine.
Molecular consequence: missense variant.
Genome position (GRCh38, 1-based): chr9:128,582,815, A>C. VCF-style: chr9-128582815-A-C. GRCh37 (hg19) VCF-style: chr9-131345094-A-C.
Other names: c.1772A>C, p.Glu591Ala (NM_001195532.2, NM_001363759.2, NM_001363765.2 and 5 more transcripts); c.1808A>C, p.Glu603Ala (NM_001375312.2, NM_001375318.1); short protein forms E591A, E603A.
Identifiers: ClinVar variation 1507104 (VCV001507104.7), dbSNP rs1182873506, ClinGen allele CA375055203.